The following is an entry in ClinVar:

ClinVar aggregate classification (germline): Conflicting classifications of pathogenicity. Review status: criteria provided, conflicting classifications (1 of 4 stars). 2 submissions from 2 submitters: Uncertain significance (1); Likely benign (1). Last evaluated 2025-03-24.

Conditions:
Diamond-Blackfan anemia. Also called: Blackfan Diamond syndrome; Aregenerative anemia chronic congenital; Red cell aplasia, pure hereditary; Congenital hypoplastic anemia; Aase syndrome. Identifiers: Orphanet 124, MedGen C1260899, MeSH D029503, MONDO:0015253, HP:0004810.

Allele frequency attached by ClinVar (database versions not stated): gnomAD exomes below 0.00001 and 0.00001; ExAC 0.00001.
gnomAD v4.1: 4 of 1,614,086 alleles (0.00025%); highest among the groups gnomAD compares: East Asian, 0.0045%; no homozygotes.

Submissions (2):

Labcorp Genetics (formerly Invitae), Labcorp
Classification: Likely benign for Diamond-Blackfan anemia. Last evaluated: 2025-03-24. Review status: criteria provided, single submitter. Criteria: Invitae Variant Classification Sherloc (09022015). Collection method: clinical testing. Allele origin: germline.

Genetic Services Laboratory, University of Chicago
Classification: Uncertain significance. Last evaluated: 2023-01-23. Review status: criteria provided, single submitter. Criteria: ACMG Guidelines, 2015. Collection method: clinical testing. Allele origin: germline. Affected: no.
Comment: DNA sequence analysis of the RPL11 gene demonstrated a sequence change in intron 1, c.7-10C>T. This change does not appear to have been previously described in individuals with RPL11-related disorders. This sequence change has been described in the gnomAD database in one individual which corresponds to a population frequency of 0.0004% (dbSNP rs773406981). This sequence change is not predicted to have a deleterious effect on splicing based on in-silico splice prediction programs. The functional significance of this sequence change is not known at present and its contribution to this individual's disease phenotype cannot definitively be determined.

NM_000975.5(RPL11):c.7-10C>T

Gene: RPL11 (ribosomal protein L11; plus strand). Cytogenetic location: 1p36.11.
Variant type: single nucleotide variant.
Coding change: c.7-10C>T on transcript NM_000975.5 (MANE Select); 10 bases into the intron before coding-DNA position 7, C replaced by T.
Molecular consequence: intron variant.
Genome position (GRCh38, 1-based): chr1:23,692,599, C>T. VCF-style: chr1-23692599-C-T. GRCh37 (hg19) VCF-style: chr1-24019089-C-T.
Other names: c.7-10C>T (NM_000975.4); c.7-13C>T (NM_001199802.1).
Identifiers: ClinVar variation 1102960 (VCV001102960.11), dbSNP rs773406981, ClinGen allele CA684148.